The following is an entry in ClinVar:

ClinVar aggregate classification (germline): Uncertain significance (1 of 4 stars; one submission).

Submission:

Labcorp Genetics (formerly Invitae), Labcorp
Classification: Uncertain significance. Last evaluated: 2024-04-02. Review status: criteria provided, single submitter. Criteria: Invitae Variant Classification Sherloc (09022015). Collection method: clinical testing. Allele origin: germline.
Comment: This sequence change replaces cysteine, which is neutral and slightly polar, with glycine, which is neutral and non-polar, at codon 511 of the RNF43 protein (p.Cys511Gly). This variant is not present in population databases (gnomAD no frequency). This variant has not been reported in the literature in individuals affected with RNF43-related conditions. An algorithm developed to predict the effect of missense changes on protein structure and function (PolyPhen-2) suggests that this variant is likely to be disruptive. In summary, the available evidence is currently insufficient to determine the role of this variant in disease. Therefore, it has been classified as a Variant of Uncertain Significance.

NM_017763.6(RNF43):c.1531T>G (p.Cys511Gly)

Gene: RNF43 (ring finger protein 43; minus strand). Cytogenetic location: 17q22.
Variant type: single nucleotide variant.
Coding change: c.1531T>G on transcript NM_017763.6 (MANE Select); coding-DNA position 1531, T replaced by G.
Protein change: p.Cys511Gly; replaces cysteine 511 with glycine.
Molecular consequence: missense variant.
Genome position (GRCh38, 1-based): chr17:58,358,245, A>C on the plus strand (T>G on the coding strand, the complement: RNF43 is on the minus strand). VCF-style: chr17-58358245-A-C. GRCh37 (hg19) VCF-style: chr17-56435606-A-C.
Other names: c.1531T>G, p.Cys511Gly (NM_001305544.3); c.1150T>G, p.Cys384Gly (NM_001305545.2); short protein forms C384G, C511G.
Identifiers: ClinVar variation 3648398 (VCV003648398.2).